The following is an entry in ClinVar:

NM_017780.4(CHD7):c.3641A>C (p.Gln1214Pro)

Gene: CHD7 (chromodomain helicase DNA binding protein 7; plus strand). Cytogenetic location: 8q12.2.
Variant type: single nucleotide variant.
Coding change: c.3641A>C on transcript NM_017780.4 (MANE Select); coding-DNA position 3641, A replaced by C.
Protein change: p.Gln1214Pro; replaces glutamine 1214 with proline.
Molecular consequence: missense variant. On other transcripts: intron variant (1).
Genome position (GRCh38, 1-based): chr8:60,830,440, A>C. VCF-style: chr8-60830440-A-C. GRCh37 (hg19) VCF-style: chr8-61742999-A-C.
Other names: c.1717-31789A>C (NM_001316690.1); short protein forms Q1214P.
Identifiers: ClinVar variation 941341 (VCV000941341.1), dbSNP rs1804454889, ClinGen allele CA371315419.
Genomic context (GRCh38, chr8:60,830,440, plus strand): 5'-TAGAAAAGAACTTGGCCCCCAAAGAAGAAACTATTATTGAAGTTGAGCTAACAAACATTC[A>C]GAAGAAATATTACCGAGCCATCCTTGAGAAGAATTTCACATTTCTTTCCAAAGGCGGTGG-3'
Protein context (NP_060250.2, residues 1204-1224): TIIEVELTNI[Gln1214Pro]KKYYRAILEK

ClinVar aggregate classification (germline): Pathogenic (1 of 4 stars; one submission).

Conditions:
CHARGE syndrome (CHARGE). Also called: Hittner Hirsch Kreh syndrome; Coloboma, heart anomaly, choanal atresia, retardation, genital and ear anomalies; CHARGE association; Hall-Hittner syndrome; CHARGE ASSOCIATION--COLOBOMA, HEART ANOMALY, CHOANAL ATRESIA, RETARDATION, GENITAL AND EAR ANOMALIES. Identifiers: Orphanet 138, MedGen C0265354, MONDO:0008965.

Submission:

Labcorp Genetics (formerly Invitae), Labcorp
Classification: Pathogenic for CHARGE association. Last evaluated: 2019-10-03. Review status: criteria provided, single submitter. Criteria: Invitae Variant Classification Sherloc (09022015). Collection method: clinical testing. Allele origin: germline.
Comment: This sequence change replaces glutamine with proline at codon 1214 of the CHD7 protein (p.Gln1214Pro). The glutamine residue is highly conserved and there is a moderate physicochemical difference between glutamine and proline. This variant is not present in population databases (ExAC no frequency). This variant has been observed in individual(s) with CHD7-related conditions (Invitae). In at least one individual the variant was observed to be de novo. Algorithms developed to predict the effect of missense changes on protein structure and function (SIFT, PolyPhen-2, Align-GVGD) all suggest that this variant is likely to be disruptive, but these predictions have not been confirmed by published functional studies and their clinical significance is uncertain. This variant disrupts the p.Gln1214 amino acid residue in CHD7. Other variant(s) that disrupt this residue have been determined to be pathogenic (PMID: 16400610, 26538304). This suggests that this residue is clinically significant, and that variants that disrupt this residue are likely to be disease-causing. For these reasons, this variant has been classified as Pathogenic.

Literature cited by the submitters: PubMed 26538304; PubMed 16400610.